The following is an entry in ClinVar:

ClinVar aggregate classification (germline): Likely pathogenic. Review status: criteria provided, multiple submitters, no conflicts (2 of 4 stars). 3 submissions from 3 submitters: Likely pathogenic (3). Last evaluated 2024-10-07.

Conditions:
Bothnia retinal dystrophy. Also called: VASTERBOTTEN DYSTROPHY. Identifiers: Orphanet 85128, MedGen C1843816, MONDO:0011838, OMIM 607475.
Pigmentary retinal dystrophy. Also called: Fundus albipunctatus. Identifiers: Orphanet 227796, Orphanet 52427, MedGen C0311338, MONDO:0007639, OMIM 136880, HP:0030642.
Newfoundland cone-rod dystrophy. Identifiers: MedGen C1843815, MONDO:0011839, OMIM 607476.
RLBP1-related disorder. Also called: RLBP1-related condition; RLBP1-related disorders. Identifiers: MedGen CN239413.

Allele frequency attached by ClinVar (database versions not stated): TOPMed below 0.00001; gnomAD 0.00001; gnomAD exomes 0.00003.

Submissions (3):

Blueprint Genetics
Classification: Likely pathogenic for RLBP1-related disorders. Last evaluated: 2024-10-07. Review status: criteria provided, single submitter. Criteria: ACMG Guidelines, 2015. Collection method: clinical testing. Allele origin: germline. Affected: yes. Observed: 3 variant alleles.

Fulgent Genetics
Classification: Likely pathogenic for Pigmentary retinal dystrophy; Bothnia retinal dystrophy; Newfoundland cone-rod dystrophy. Last evaluated: 2024-02-29. Review status: criteria provided, single submitter. Criteria: ACMG Guidelines, 2015. Collection method: clinical testing. Allele origin: germline.

Labcorp Genetics (formerly Invitae), Labcorp
Classification: Likely pathogenic. Last evaluated: 2023-10-22. Review status: criteria provided, single submitter. Criteria: Invitae Variant Classification Sherloc (09022015). Collection method: clinical testing. Allele origin: germline.
Comment: This sequence change affects a splice site in intron 3 of the RLBP1 gene. It is expected to disrupt RNA splicing. Variants that disrupt the donor or acceptor splice site typically lead to a loss of protein function (PMID: 16199547), and loss-of-function variants in RLBP1 are known to be pathogenic (PMID: 2392416, 11301032, 21447491, 25429852). This variant is not present in population databases (gnomAD no frequency). This variant has not been reported in the literature in individuals affected with RLBP1-related conditions. ClinVar contains an entry for this variant (Variation ID: 1066003). Algorithms developed to predict the effect of sequence changes on RNA splicing suggest that this variant may disrupt the consensus splice site. In summary, the currently available evidence indicates that the variant is pathogenic, but additional data are needed to prove that conclusively. Therefore, this variant has been classified as Likely Pathogenic.

Literature cited by the submitters: PubMed 16199547 (cited by Labcorp Genetics (formerly Invitae), Labcorp); PubMed 2392416 (cited by Labcorp Genetics (formerly Invitae), Labcorp); PubMed 11301032 (cited by Labcorp Genetics (formerly Invitae), Labcorp); PubMed 21447491 (cited by Labcorp Genetics (formerly Invitae), Labcorp); PubMed 25429852 (cited by Labcorp Genetics (formerly Invitae), Labcorp).

NM_000326.5(RLBP1):c.12+2del

Gene: RLBP1 (retinaldehyde binding protein 1; minus strand). Cytogenetic location: 15q26.1.
Variant type: Deletion.
Coding change: c.12+2del on transcript NM_000326.5 (MANE Select); the canonical splice donor site of the intron after coding-DNA position 12, one base deleted (T; older notation c.12+2delT).
Molecular consequence: splice donor variant.
Genome position (GRCh38, 1-based): chr15:89,218,962, A deleted on the plus strand (T on the coding strand, the reverse complement: RLBP1 is on the minus strand). VCF-style (leftmost placement, unchanged base first): chr15-89218961-TA-T. GRCh37 (hg19) VCF-style: chr15-89762192-TA-T.
Identifiers: ClinVar variation 1066003 (VCV001066003.9), dbSNP rs1445909096, ClinGen allele CA716904070.
Genomic context (GRCh38, chr15:89,218,961, plus strand): 5'-GAGGGAAGAGAGAGAAGAGAGGGAAGGTGGGTGGAGGAGAGCCCTGGAGGACAGGGTACT[TA>T]CCCCTTCTGACATGTTGCCTATGGAAGACACAGAGTCCTTGGAAAAAGAAGGGATCTGCT-3'